The following is an entry in ClinVar:

NM_001083962.2(TCF4):c.1316C>T (p.Thr439Ile)

Gene: TCF4 (transcription factor 4; minus strand). Cytogenetic location: 18q21.2.
Variant type: single nucleotide variant.
Coding change: c.1316C>T on transcript NM_001083962.2 (MANE Select); coding-DNA position 1316, C replaced by T.
Protein change: p.Thr439Ile; replaces threonine 439 with isoleucine.
Molecular consequence: missense variant.
Genome position (GRCh38, 1-based): chr18:55,254,531, G>A on the plus strand (C>T on the coding strand, the complement: TCF4 is on the minus strand). VCF-style: chr18-55254531-G-A. GRCh37 (hg19) VCF-style: chr18-52921762-G-A.
Other names: p.T439I:ACC>ATC; c.1622C>T, p.Thr541Ile (NM_001243226.3); c.1244C>T, p.Thr415Ile (NM_001243227.2, NM_001306207.1, NM_001348217.1 and 5 more transcripts); c.1334C>T, p.Thr445Ile (NM_001243228.2); c.1307C>T, p.Thr436Ile (NM_001243230.2); c.1190C>T, p.Thr397Ile (NM_001243231.2, NM_001348211.2); c.1103C>T, p.Thr368Ile (NM_001243232.1, NM_001306208.1); c.926C>T, p.Thr309Ile (NM_001243233.2, NM_001330605.3, NM_001348212.2 and 1 more transcripts); and 7 more; short protein forms T439I, T368I, T397I, T414I, T415I, T438I, T445I, T278I.
Identifiers: ClinVar variation 207547 (VCV000207547.1), dbSNP rs778753474, ClinGen allele CA319124.
Genomic context (GRCh38, chr18:55,254,531, plus strand): 5'-TAGAGTCTATAAATTTCATCACTTACCATGAGTGAATGTCTGTTGGCTGAAAGAAGGCCG[G>A]TTCCATACCCTGAGCCCAGACCACCCATGGCTCCATTATGAGAAGGTCCAATGATTCCAT-3'
Protein context (NP_001077431.1, residues 429-449): AMGGLGSGYG[Thr439Ile]GLLSANRHSL

ClinVar aggregate classification (germline): Likely benign (1 of 4 stars; one submission).

Allele frequency attached by ClinVar (database versions not stated): gnomAD exomes below 0.00001.
gnomAD v4.1: 2 of 1,613,692 alleles (0.00012%); highest among the groups gnomAD compares: Non-Finnish European, 0.00017%; no homozygotes.

Submission:

GeneDx
Classification: Likely benign. Last evaluated: 2014-11-20. Review status: criteria provided, single submitter. Criteria: GeneDx Variant Classification (06012015). Collection method: clinical testing. Allele origin: germline. Affected: yes.
Comment: This variant is considered likely benign or benign based on one or more of the following criteria: it is a conservative change, it occurs at a poorly conserved position in the protein, it is predicted to be benign by multiple in silico algorithms, and/or has population frequency not consistent with disease.